The following is an entry in ClinVar:

NM_004991.4(MECOM):c.2412C>A (p.Asn804Lys)

Gene: MECOM (MDS1 and EVI1 complex locus; minus strand). Cytogenetic location: 3q26.2.
Variant type: single nucleotide variant.
Coding change: c.2412C>A on transcript NM_004991.4 (MANE Select); coding-DNA position 2412, C replaced by A.
Protein change: p.Asn804Lys; replaces asparagine 804 with lysine.
Molecular consequence: missense variant.
Genome position (GRCh38, 1-based): chr3:169,115,460, G>T on the plus strand (C>A on the coding strand, the complement: MECOM is on the minus strand). VCF-style: chr3-169115460-G-T. GRCh37 (hg19) VCF-style: chr3-168833248-G-T.
Other names: c.2043C>A, p.Asn681Lys (NM_001105077.4); c.1848C>A, p.Asn616Lys (NM_001105078.4, NM_001164000.2, NM_001205194.2 and 4 more transcripts); c.1851C>A, p.Asn617Lys (NM_001163999.2, NM_001366467.2, NM_001366468.2 and 1 more transcripts); c.2412C>A, p.Asn804Lys (NM_001366466.2); c.1440C>A, p.Asn480Lys (NM_001366473.2); c.876C>A, p.Asn292Lys (NM_001366474.2); short protein forms N617K, N681K, N292K, N480K, N616K, N804K.
Identifiers: ClinVar variation 3871908 (VCV003871908.2).

ClinVar aggregate classification (germline): Uncertain significance (1 of 4 stars; one submission).

Conditions:
Inborn genetic diseases. Identifiers: MedGen C0950123, MeSH D030342.

gnomAD v4.1: 1 of 1,614,110 alleles (0.000062%); highest among the groups gnomAD compares: Non-Finnish European, 0.000085%; no homozygotes.

Submission:

Ambry Genetics
Classification: Uncertain significance for Inborn genetic diseases. Last evaluated: 2025-04-02. Review status: criteria provided, single submitter. Criteria: Ambry Variant Classification Scheme 2023. Collection method: clinical testing. Allele origin: germline.
Comment: The p.N804K variant (also known as c.2412C>A), located in coding exon 8 of the MECOM gene, results from a C to A substitution at nucleotide position 2412. The asparagine at codon 804 is replaced by lysine, an amino acid with similar properties. This amino acid position is conserved. In addition, this alteration is predicted to be tolerated by in silico analysis. Based on the available evidence, the clinical significance of this variant remains unclear.